The following is an entry in ClinVar:

NM_001080467.3(MYO5B):c.5112C>T (p.Cys1704=)

Genes: MYO5B (myosin VB; minus strand), SNHG22 (small nucleolar RNA host gene 22; plus strand). Cytogenetic location: 18q21.1.
Variant type: single nucleotide variant.
Coding change: c.5112C>T on transcript NM_001080467.3 (MANE Select); coding-DNA position 5112, C replaced by T.
Protein change: p.Cys1704=; no amino-acid change (cysteine 1704 retained).
Molecular consequence: synonymous variant.
Genome position (GRCh38, 1-based): chr18:49,837,543, G>A on the plus strand (C>T on the coding strand, the complement: MYO5B is on the minus strand). VCF-style: chr18-49837543-G-A. GRCh37 (hg19) VCF-style: chr18-47363913-G-A.
Identifiers: ClinVar variation 3029903 (VCV003029903.2), dbSNP rs1173123084, ClinGen allele CA503991201.
Genomic context (GRCh38, chr18:49,837,543, plus strand): 5'-CTATCTGTGTTGTTGGGGGGTGCTCCTCCCTTACCTGAGTTGCATGCCTGTGCTCCAAGA[G>A]CAGACGTCCTTCCGCAAGAGCAGGTTGTTAAGAGTCACTGCGTTGATCATGTAGAAGAGC-3'
Protein context (NP_001073936.1, residues 1694-1714): LNNLLLRKDV[Cys1704=]SWSTGMQLRY

ClinVar aggregate classification (germline): Likely benign (0 of 4 stars; one submission).

Conditions:
MYO5B-related disorder. Also called: MYO5B-related condition.

Allele frequency attached by ClinVar (database versions not stated): gnomAD exomes below 0.00001; gnomAD 0.00003.
gnomAD v4.1: 6 of 1,613,856 alleles (0.00037%); highest among the groups gnomAD compares: African/African-American, 0.004%; no homozygotes.

Submission:

PreventionGenetics, part of Exact Sciences
Classification: Likely benign for MYO5B-related condition. Last evaluated: 2021-12-22. Review status: no assertion criteria provided. Collection method: clinical testing. Allele origin: germline.
Comment: This variant is classified as likely benign based on ACMG/AMP sequence variant interpretation guidelines (Richards et al. 2015 PMID: 25741868, with internal and published modifications).